The following is an entry in ClinVar:

NM_017514.5(PLXNA3):c.4854T>C (p.Ile1618=)

Gene: PLXNA3 (plexin A3; plus strand). Cytogenetic location: Xq28.
Variant type: single nucleotide variant.
Coding change: c.4854T>C on transcript NM_017514.5 (MANE Select); coding-DNA position 4854, T replaced by C.
Protein change: p.Ile1618=; no amino-acid change (isoleucine 1618 retained).
Molecular consequence: synonymous variant.
Genome position (GRCh38, 1-based): chrX:154,470,035, T>C. VCF-style: chrX-154470035-T-C. GRCh37 (hg19) VCF-style: chrX-153698378-T-C.
Identifiers: ClinVar variation 4984136 (VCV004984136.1).

ClinVar aggregate classification (germline): Likely benign (1 of 4 stars; one submission).

Conditions:
PLXNA3-related disorder. Also called: PLXNA3-related condition.

Submission:

PreventionGenetics, part of Exact Sciences
Classification: Likely benign for PLXNA3-related condition. Last evaluated: 2026-08-05. Review status: criteria provided, single submitter. Criteria: ACMG Guidelines, 2015. Collection method: clinical testing. Allele origin: germline.
Comment: This variant is classified as likely benign based on ACMG/AMP sequence variant interpretation guidelines (Richards et al. 2015 PMID: 25741868, with internal and published modifications).